The following is an entry in ClinVar:

ClinVar aggregate classification (germline): Uncertain significance. Review status: criteria provided, multiple submitters, no conflicts (2 of 4 stars). 2 submissions from 2 submitters: Uncertain significance (2). Last evaluated 2026-04-03.

Conditions:
Cardiovascular phenotype. Identifiers: MedGen CN230736.
Ehlers-Danlos syndrome (EDS). Identifiers: Orphanet 98249, MedGen C0013720, MONDO:0020066.

Allele frequency attached by ClinVar (database versions not stated): TOPMed below 0.00001; gnomAD exomes below 0.00001; gnomAD 0.00001.
gnomAD v4.1: 12 of 1,577,878 alleles (0.00076%); highest among the groups gnomAD compares: Non-Finnish European, 0.00096%; no homozygotes.

Submissions (2):

Ambry Genetics
Classification: Uncertain significance for Cardiovascular phenotype. Last evaluated: 2026-04-03. Review status: criteria provided, single submitter. Criteria: Ambry Variant Classification Scheme 2023. Collection method: clinical testing. Allele origin: germline.
Comment: The p.R537S variant (also known as c.1609C>A), located in coding exon 14 of the PRDM5 gene, results from a C to A substitution at nucleotide position 1609. The arginine at codon 537 is replaced by serine, an amino acid with dissimilar properties. This amino acid position is highly conserved in available vertebrate species. In addition, the in silico prediction for this alteration is inconclusive. Based on the available evidence, the clinical significance of this variant remains unclear.

Genome Diagnostics Laboratory, The Hospital for Sick Children
Classification: Uncertain significance for Ehlers-Danlos syndrome. Last evaluated: 2021-03-29. Review status: criteria provided, single submitter. Criteria: ACMG Guidelines, 2015. Collection method: clinical testing. Allele origin: germline.

NM_018699.4(PRDM5):c.1609C>A (p.Arg537Ser)

Gene: PRDM5 (PR/SET domain 5; minus strand). Cytogenetic location: 4q27.
Variant type: single nucleotide variant.
Coding change: c.1609C>A on transcript NM_018699.4 (MANE Select); coding-DNA position 1609, C replaced by A.
Protein change: p.Arg537Ser; replaces arginine 537 with serine.
Molecular consequence: missense variant. On other transcripts: intron variant (1).
Genome position (GRCh38, 1-based): chr4:120,754,567, G>T on the plus strand (C>A on the coding strand, the complement: PRDM5 is on the minus strand). VCF-style: chr4-120754567-G-T. GRCh37 (hg19) VCF-style: chr4-121675722-G-T.
Other names: c.1516C>A, p.Arg506Ser (NM_001300823.2, NM_001379106.1); c.1642C>A, p.Arg548Ser (NM_001379104.1); c.1444+22621C>A (NM_001300824.2); c.1609C>A (NM_018699.2); short protein forms R506S, R537S, R548S.
Identifiers: ClinVar variation 1702268 (VCV001702268.4), dbSNP rs1463793614, ClinGen allele CA358206831.